The following is an entry in ClinVar:

ClinVar aggregate classification (germline): Uncertain significance. Review status: criteria provided, multiple submitters, no conflicts (2 of 4 stars). 2 submissions from 2 submitters: Uncertain significance (2). Last evaluated 2026-04-16.

Conditions:
Juvenile polyposis syndrome (JPS). Identifiers: Orphanet 2929, MedGen C0345893, MONDO:0017380, OMIM 174900.
Hereditary cancer-predisposing syndrome. Also called: Tumor predisposition; Neoplastic Syndromes, Hereditary; Hereditary Cancer Syndrome; Hereditary neoplastic syndrome. Identifiers: Orphanet 140162, MedGen C0027672, MeSH D009386, MONDO:0015356.

Submissions (2):

Ambry Genetics
Classification: Uncertain significance for Hereditary cancer-predisposing syndrome. Last evaluated: 2026-04-16. Review status: criteria provided, single submitter. Criteria: Ambry Variant Classification Scheme 2023. Collection method: clinical testing. Allele origin: germline.
Comment: The p.G221V variant (also known as c.662G>T), located in coding exon 6 of the BMPR1A gene, results from a G to T substitution at nucleotide position 662. The glycine at codon 221 is replaced by valine, an amino acid with dissimilar properties. This amino acid position is highly conserved in available vertebrate species. In addition, this alteration is predicted to be deleterious by in silico analysis. Based on the available evidence, the clinical significance of this variant remains unclear.

Labcorp Genetics (formerly Invitae), Labcorp
Classification: Uncertain significance for Juvenile polyposis syndrome. Last evaluated: 2021-11-12. Review status: criteria provided, single submitter. Criteria: Invitae Variant Classification Sherloc (09022015). Collection method: clinical testing. Allele origin: germline.
Comment: In summary, the available evidence is currently insufficient to determine the role of this variant in disease. Therefore, it has been classified as a Variant of Uncertain Significance. Advanced modeling of protein sequence and biophysical properties (such as structural, functional, and spatial information, amino acid conservation, physicochemical variation, residue mobility, and thermodynamic stability) performed at Invitae indicates that this missense variant is expected to disrupt BMPR1A protein function. This variant has not been reported in the literature in individuals affected with BMPR1A-related conditions. This variant is not present in population databases (gnomAD no frequency). This sequence change replaces glycine, which is neutral and non-polar, with valine, which is neutral and non-polar, at codon 221 of the BMPR1A protein (p.Gly221Val).

NM_004329.3(BMPR1A):c.662G>T (p.Gly221Val)

Gene: BMPR1A (bone morphogenetic protein receptor type 1A; plus strand). Cytogenetic location: 10q23.2.
Variant type: single nucleotide variant.
Coding change: c.662G>T on transcript NM_004329.3 (MANE Select); coding-DNA position 662, G replaced by T.
Protein change: p.Gly221Val; replaces glycine 221 with valine.
Molecular consequence: missense variant.
Genome position (GRCh38, 1-based): chr10:86,912,371, G>T. VCF-style: chr10-86912371-G-T. GRCh37 (hg19) VCF-style: chr10-88672128-G-T.
Other names: c.662G>T (NM_004329.2); short protein forms G221V.
Identifiers: ClinVar variation 1490486 (VCV001490486.8), dbSNP rs1564722001, ClinGen allele CA377455157.